The following is an entry in ClinVar:

NM_001242957.3(MAK):c.1466-2A>G

Gene: MAK (male germ cell associated kinase; minus strand). Cytogenetic location: 6p24.2.
Variant type: single nucleotide variant.
Coding change: c.1466-2A>G on transcript NM_001242957.3 (MANE Select); the canonical splice acceptor site of the intron before coding-DNA position 1466, A replaced by G.
Molecular consequence: splice acceptor variant.
Genome position (GRCh38, 1-based): chr6:10,775,461, T>C on the plus strand (A>G on the coding strand, the complement: MAK is on the minus strand). VCF-style: chr6-10775461-T-C. GRCh37 (hg19) VCF-style: chr6-10775694-T-C.
Other names: c.1364-2A>G (NM_001377262.1); c.1466-2A>G (NM_005906.6, NM_001242385.2).
Identifiers: ClinVar variation 2711632 (VCV002711632.3), dbSNP rs759932426, ClinGen allele CA3633417.
Genomic context (GRCh38, chr6:10,775,461, plus strand): 5'-AGTGTGGGGGTTTATTTCCTTTCCACTGGCTATCAAGGACACCTTCTTGGGATTCACACC[T>C]GAGAAGAACAAAACAACCACTTCAAAGGTTAGAGCAGATCATAAACTTAAAGGAAACTTA-3'

ClinVar aggregate classification (germline): Likely pathogenic (1 of 4 stars; one submission).

Allele frequency attached by ClinVar (database versions not stated): gnomAD exomes 0.00001; ExAC 0.00003.
gnomAD v4.1: 4 of 1,612,678 alleles (0.00025%); highest among the groups gnomAD compares: South Asian, 0.0011%; no homozygotes.

Submission:

Labcorp Genetics (formerly Invitae), Labcorp
Classification: Likely pathogenic. Last evaluated: 2023-06-11. Review status: criteria provided, single submitter. Criteria: Invitae Variant Classification Sherloc (09022015). Collection method: clinical testing. Allele origin: germline.
Comment: In summary, the currently available evidence indicates that the variant is pathogenic, but additional data are needed to prove that conclusively. Therefore, this variant has been classified as Likely Pathogenic. Algorithms developed to predict the effect of sequence changes on RNA splicing suggest that this variant may disrupt the consensus splice site. This variant has not been reported in the literature in individuals affected with MAK-related conditions. This variant is present in population databases (rs759932426, gnomAD 0.003%). This sequence change affects an acceptor splice site in intron 10 of the MAK gene. It is expected to disrupt RNA splicing. Variants that disrupt the donor or acceptor splice site typically lead to a loss of protein function (PMID: 16199547), and loss-of-function variants in MAK are known to be pathogenic (PMID: 21148103, 21825139, 24938718, 29781741).

Literature cited by the submitters: PubMed 16199547; PubMed 21148103; PubMed 21825139; PubMed 24938718; PubMed 29781741.